The following is an entry in ClinVar:

ClinVar aggregate classification (germline): Uncertain significance. Review status: criteria provided, multiple submitters, no conflicts (2 of 4 stars). 3 submissions from 3 submitters: Uncertain significance (3). Last evaluated 2026-07-20.

Conditions:
Amyotrophic lateral sclerosis type 1 (ALS1). Also called: AMYOTROPHIC LATERAL SCLEROSIS 1, FAMILIAL. Identifiers: Orphanet 803, MedGen C1862939, MONDO:0007103, OMIM 105400.
Perry syndrome. Also called: PARKINSONISM WITH ALVEOLAR HYPOVENTILATION AND MENTAL DEPRESSION. Identifiers: Orphanet 178509, MedGen C1868594, MONDO:0008201, OMIM 168605.
Neuronopathy, distal hereditary motor, type 7B. Also called: LOWER MOTOR NEURON DISEASE, DYNACTIN TYPE; NEURONOPATHY, DISTAL HEREDITARY MOTOR, AUTOSOMAL DOMINANT 14; NEURONOPATHY, DISTAL HEREDITARY MOTOR, HARDING TYPE VIIB; NEUROPATHY, DISTAL HEREDITARY MOTOR, HARDING TYPE VIIB; NEUROPATHY, DISTAL HEREDITARY MOTOR, WITH VOCAL CORD PARALYSIS, HARDING TYPE VIIB; Distal Hereditary Motor Neuronopathy Type 7B (dHMN7B). Identifiers: Orphanet 139589, MedGen C1843315, MONDO:0011879, OMIM 607641.
Inborn genetic diseases. Identifiers: MedGen C0950123, MeSH D030342.

Allele frequency attached by ClinVar (database versions not stated): TOPMed below 0.00001; ExAC 0.00001; gnomAD 0.00001; gnomAD exomes 0.00001.
gnomAD v4.1: 10 of 1,614,098 alleles (0.00062%); highest among the groups gnomAD compares: Admixed American, 0.0017%; no homozygotes.

Submissions (3):

Ambry Genetics
Classification: Uncertain significance for Inborn genetic diseases. Last evaluated: 2026-07-20. Review status: criteria provided, single submitter. Criteria: Ambry Variant Classification Scheme 2023. Collection method: clinical testing. Allele origin: germline.
Comment: The c.2779C>T (p.R927W) alteration is located in exon 24 (coding exon 24) of the DCTN1 gene. This alteration results from a C to T substitution at nucleotide position 2779, causing the arginine (R) at amino acid position 927 to be replaced by a tryptophan (W). Based on data from gnomAD, the T allele has an overall frequency of 0.001% (2/251490) total alleles studied. The highest observed frequency was 0.003% (1/30616) of South Asian alleles. Based on insufficient or conflicting evidence, the clinical significance of this alteration remains unclear.

CeGaT Center for Human Genetics Tuebingen
Classification: Uncertain significance. Last evaluated: 2025-10-01. Review status: criteria provided, single submitter. Criteria: CeGaT Center For Human Genetics Tuebingen Variant Classification Criteria Version 2. Collection method: clinical testing. Allele origin: germline. Affected: yes. Observed: 1 variant allele.
Comment: DCTN1: PM2, PP3

Labcorp Genetics (formerly Invitae), Labcorp
Classification: Uncertain significance for Amyotrophic lateral sclerosis type 1; Neuronopathy, distal hereditary motor, type 7B; Perry syndrome. Last evaluated: 2022-08-07. Review status: criteria provided, single submitter. Criteria: Invitae Variant Classification Sherloc (09022015). Collection method: clinical testing. Allele origin: germline.
Comment: This variant is present in population databases (rs758168607, gnomAD 0.003%). In summary, the available evidence is currently insufficient to determine the role of this variant in disease. Therefore, it has been classified as a Variant of Uncertain Significance. Algorithms developed to predict the effect of sequence changes on RNA splicing suggest that this variant may create or strengthen a splice site. Algorithms developed to predict the effect of missense changes on protein structure and function (SIFT, PolyPhen-2, Align-GVGD) all suggest that this variant is likely to be disruptive. ClinVar contains an entry for this variant (Variation ID: 650325). This variant has not been reported in the literature in individuals affected with DCTN1-related conditions. This sequence change replaces arginine, which is basic and polar, with tryptophan, which is neutral and slightly polar, at codon 927 of the DCTN1 protein (p.Arg927Trp).

NM_004082.5(DCTN1):c.2779C>T (p.Arg927Trp)

Gene: DCTN1 (dynactin subunit 1; minus strand). Cytogenetic location: 2p13.1.
Variant type: single nucleotide variant.
Coding change: c.2779C>T on transcript NM_004082.5 (MANE Select); coding-DNA position 2779, C replaced by T.
Protein change: p.Arg927Trp; replaces arginine 927 with tryptophan.
Molecular consequence: missense variant. On other transcripts: non-coding transcript variant (1).
Genome position (GRCh38, 1-based): chr2:74,366,000, G>A on the plus strand (C>T on the coding strand, the complement: DCTN1 is on the minus strand). VCF-style: chr2-74366000-G-A. GRCh37 (hg19) VCF-style: chr2-74593127-G-A.
Other names: c.2719C>T, p.Arg907Trp (NM_001135040.3); c.2377C>T, p.Arg793Trp (NM_001135041.3, NM_023019.4); c.2668C>T, p.Arg890Trp (NM_001190836.2); c.2758C>T, p.Arg920Trp (NM_001190837.2); c.2728C>T, p.Arg910Trp (NM_001378991.1); c.2710C>T, p.Arg904Trp (NM_001378992.1); short protein forms R927W, R907W, R920W, R793W, R890W, R904W, R910W.
Identifiers: ClinVar variation 650325 (VCV000650325.18), dbSNP rs758168607, ClinGen allele CA1721716.